The following is an entry in ClinVar:

NM_024757.5(EHMT1):c.252C>T (p.Gly84=)

Gene: EHMT1 (euchromatic histone lysine methyltransferase 1; plus strand). Cytogenetic location: 9q34.3.
Variant type: single nucleotide variant.
Coding change: c.252C>T on transcript NM_024757.5 (MANE Select); coding-DNA position 252, C replaced by T.
Protein change: p.Gly84=; no amino-acid change (glycine 84 retained).
Molecular consequence: synonymous variant.
Genome position (GRCh38, 1-based): chr9:137,716,792, C>T. VCF-style: chr9-137716792-C-T. GRCh37 (hg19) VCF-style: chr9-140611244-C-T.
Other names: c.252C>T, p.Gly84= (NM_001145527.2, NM_001354263.2, NM_001354611.2); c.159C>T, p.Gly53= (NM_001354259.2, NM_001354612.2).
Identifiers: ClinVar variation 2153662 (VCV002153662.20), dbSNP rs749562769, ClinGen allele CA5374245.

ClinVar aggregate classification (germline): Likely benign. Review status: criteria provided, multiple submitters, no conflicts (2 of 4 stars). 2 submissions from 2 submitters: Likely benign (2). Last evaluated 2024-07-01.

Conditions:
Kleefstra syndrome 1 (KLEFS1). Identifiers: Orphanet 261494, MedGen C0795833, MONDO:0027407, OMIM 610253.

Allele frequency attached by ClinVar (database versions not stated): ExAC 0.00001; gnomAD 0.00003; TOPMed 0.00003; gnomAD exomes 0.00010.
gnomAD v4.1: 143 of 1,613,168 alleles (0.0089%); highest among the groups gnomAD compares: Non-Finnish European, 0.012%; no homozygotes.

Submissions (2):

CeGaT Center for Human Genetics Tuebingen
Classification: Likely benign. Last evaluated: 2024-07-01. Review status: criteria provided, single submitter. Criteria: CeGaT Center For Human Genetics Tuebingen Variant Classification Criteria Version 2. Collection method: clinical testing. Allele origin: germline. Affected: yes. Observed: 1 variant allele.
Comment: EHMT1: BP4, BP7

Labcorp Genetics (formerly Invitae), Labcorp
Classification: Likely benign for Kleefstra syndrome 1. Last evaluated: 2023-06-10. Review status: criteria provided, single submitter. Criteria: Invitae Variant Classification Sherloc (09022015). Collection method: clinical testing. Allele origin: germline.